The following is an entry in ClinVar:

ClinVar aggregate classification (germline): Benign. Review status: criteria provided, multiple submitters, no conflicts (2 of 4 stars). 2 submissions from 2 submitters: Benign (2). Last evaluated 2018-06-16.

Allele frequency attached by ClinVar (database versions not stated): gnomAD exomes 0.32294; 1000 Genomes Project 0.33526; gnomAD 0.38434 and 0.38864.

Submissions (2):

GeneDx
Classification: Benign. Last evaluated: 2018-06-16. Review status: criteria provided, single submitter. Criteria: GeneDx Variant Classification (06012015). Collection method: clinical testing. Allele origin: germline. Affected: yes.
Comment: This variant is considered likely benign or benign based on one or more of the following criteria: it is a conservative change, it occurs at a poorly conserved position in the protein, it is predicted to be benign by multiple in silico algorithms, and/or has population frequency not consistent with disease.

Breakthrough Genomics
Classification: Benign. Review status: criteria provided, single submitter. Criteria: ACMG Guidelines, 2015. Collection method: not provided. Allele origin: germline. Inheritance: Autosomal recessive inheritance. Affected: yes.

NM_001853.4(COL9A3):c.520-131A>G

Gene: COL9A3 (collagen type IX alpha 3 chain; plus strand). Cytogenetic location: 20q13.33.
Variant type: single nucleotide variant.
Coding change: c.520-131A>G on transcript NM_001853.4 (MANE Select); 131 bases into the intron before coding-DNA position 520, A replaced by G.
Molecular consequence: intron variant.
Genome position (GRCh38, 1-based): chr20:62,824,314, A>G. VCF-style: chr20-62824314-A-G. GRCh37 (hg19) VCF-style: chr20-61455666-A-G.
Identifiers: ClinVar variation 678464 (VCV000678464.2), dbSNP rs2746258, ClinGen allele CA14765341.